The following is an entry in ClinVar:

ClinVar aggregate classification (germline): Uncertain significance (1 of 4 stars; one submission).

Submission:

Ambry Genetics
Classification: Uncertain significance. Last evaluated: 2024-10-21. Review status: criteria provided, single submitter. Criteria: Ambry Variant Classification Scheme 2023. Collection method: clinical testing. Allele origin: germline.
Comment: The p.N604S variant (also known as c.1811A>G), located in coding exon 12 of the CTNNA3 gene, results from an A to G substitution at nucleotide position 1811. The asparagine at codon 604 is replaced by serine, an amino acid with highly similar properties. This amino acid position is conserved. In addition, this alteration is predicted to be tolerated by in silico analysis. Based on the available evidence, the clinical significance of this variant remains unclear.

NM_013266.4(CTNNA3):c.1811A>G (p.Asn604Ser)

Gene: CTNNA3 (catenin alpha 3; minus strand). Cytogenetic location: 10q21.3.
Variant type: single nucleotide variant.
Coding change: c.1811A>G on transcript NM_013266.4 (MANE Select); coding-DNA position 1811, A replaced by G.
Protein change: p.Asn604Ser; replaces asparagine 604 with serine.
Molecular consequence: missense variant.
Genome position (GRCh38, 1-based): chr10:66,280,543, T>C on the plus strand (A>G on the coding strand, the complement: CTNNA3 is on the minus strand). VCF-style: chr10-66280543-T-C. GRCh37 (hg19) VCF-style: chr10-68040301-T-C.
Other names: c.1811A>G, p.Asn604Ser (NM_001127384.3); short protein forms N604S.
Identifiers: ClinVar variation 3498307 (VCV003498307.1).